The following is an entry in ClinVar:

ClinVar aggregate classification (germline): Uncertain significance (1 of 4 stars; one submission).

Conditions:
Primary ciliary dyskinesia. Also called: Ciliary dyskinesia. Identifiers: Orphanet 244, MedGen C0008780, MONDO:0016575, HP:0012265.

Allele frequency attached by ClinVar (database versions not stated): gnomAD exomes below 0.00001 and 0.00001; ExAC 0.00001; TOPMed 0.00001.
gnomAD v4.1: 4 of 1,578,126 alleles (0.00025%); highest among the groups gnomAD compares: Admixed American, 0.0068%; no homozygotes.

Submission:

Labcorp Genetics (formerly Invitae), Labcorp
Classification: Uncertain significance for Primary ciliary dyskinesia. Last evaluated: 2021-11-22. Review status: criteria provided, single submitter. Criteria: Invitae Variant Classification Sherloc (09022015). Collection method: clinical testing. Allele origin: germline.
Comment: This variant has not been reported in the literature in individuals affected with DNAH8-related conditions. In summary, the available evidence is currently insufficient to determine the role of this variant in disease. Therefore, it has been classified as a Variant of Uncertain Significance. Algorithms developed to predict the effect of missense changes on protein structure and function are either unavailable or do not agree on the potential impact of this missense change (SIFT: "Deleterious"; PolyPhen-2: "Not Available"; Align-GVGD: "Class C0"). This variant is present in population databases (rs775047700, gnomAD 0.009%). This sequence change replaces leucine, which is neutral and non-polar, with arginine, which is basic and polar, at codon 678 of the DNAH8 protein (p.Leu678Arg).

NM_001206927.2(DNAH8):c.2033T>G (p.Leu678Arg)

Gene: DNAH8 (dynein axonemal heavy chain 8; plus strand). Cytogenetic location: 6p21.2.
Variant type: single nucleotide variant.
Coding change: c.2033T>G on transcript NM_001206927.2 (MANE Select); coding-DNA position 2033, T replaced by G.
Protein change: p.Leu678Arg; replaces leucine 678 with arginine.
Molecular consequence: missense variant.
Genome position (GRCh38, 1-based): chr6:38,778,458, T>G. VCF-style: chr6-38778458-T-G. GRCh37 (hg19) VCF-style: chr6-38746234-T-G.
Other names: c.1382T>G, p.Leu461Arg (NM_001371.4); short protein forms L461R, L678R.
Identifiers: ClinVar variation 1434728 (VCV001434728.6), dbSNP rs775047700, ClinGen allele CA3788382.